The following is an entry in ClinVar:

NM_001354604.2(MITF):c.412C>T (p.Gln138Ter)

Gene: MITF (melanocyte inducing transcription factor; plus strand). Cytogenetic location: 3p13.
Variant type: single nucleotide variant.
Coding change: c.412C>T on transcript NM_001354604.2 (MANE Select); coding-DNA position 412, C replaced by T.
Protein change: p.Gln138Ter; replaces glutamine 138 with a stop codon.
Molecular consequence: nonsense.
Genome position (GRCh38, 1-based): chr3:69,937,879, C>T. VCF-style: chr3-69937879-C-T. GRCh37 (hg19) VCF-style: chr3-69987030-C-T.
Other names: c.91C>T, p.Gln31Ter (NM_000248.4, NM_001184968.2, NM_198158.3 and 1 more transcripts); c.256C>T, p.Gln86Ter (NM_001184967.2, NM_001354608.2); c.409C>T, p.Gln137Ter (NM_001354605.2, NM_001354606.2, NM_006722.3); c.361C>T, p.Gln121Ter (NM_001354607.2); c.412C>T, p.Gln138Ter (NM_198159.3); c.364C>T, p.Gln122Ter (NM_198177.3); short protein forms Q122*, Q137*, Q31*, Q86*, Q121*, Q138*.
Identifiers: ClinVar variation 4784662 (VCV004784662.1).

ClinVar aggregate classification (germline): Pathogenic (1 of 4 stars; one submission).

Conditions:
Tietz syndrome (TADS). Also called: ALBINISM-DEAFNESS OF TIETZ; HYPOPIGMENTATION/DEAFNESS OF TIETZ; TIETZ ALBINISM-DEAFNESS SYNDROME. Identifiers: Orphanet 42665, MedGen C0391816, MONDO:0007077, OMIM 103500.
Waardenburg syndrome type 2A (WS2A). Also called: WAARDENBURG SYNDROME WITHOUT DYSTOPIA CANTHORUM. Identifiers: Orphanet 3440, MedGen C1860339, MONDO:0008671, OMIM 193510.
Melanoma, cutaneous malignant, susceptibility to, 8. Also called: MELANOMA AND RENAL CELL CARCINOMA, SUSCEPTIBILITY TO; Cutaneous malignant melanoma 8. Identifiers: Orphanet 293822, MedGen C3152204, MONDO:0013759, OMIM 614456.

Submission:

Labcorp Genetics (formerly Invitae), Labcorp
Classification: Pathogenic for Melanoma, cutaneous malignant, susceptibility to, 8; Waardenburg syndrome type 2A; Tietz syndrome. Last evaluated: 2025-04-10. Review status: criteria provided, single submitter. Criteria: Invitae Variant Classification Sherloc (09022015). Collection method: clinical testing. Allele origin: germline.
Comment: This sequence change creates a premature translational stop signal (p.Gln31*) in the MITF gene. It is expected to result in an absent or disrupted protein product. Loss-of-function variants in MITF are known to be pathogenic (PMID: 8659547, 20127975). This variant is not present in population databases (gnomAD no frequency). This variant has not been reported in the literature in individuals affected with MITF-related conditions. For these reasons, this variant has been classified as Pathogenic.

Literature cited by the submitters: PubMed 8659547; PubMed 20127975.